The following is an entry in ClinVar:

NM_006031.6(PCNT):c.2835T>C (p.Arg945=)

Gene: PCNT (pericentrin; plus strand). Cytogenetic location: 21q22.3.
Variant type: single nucleotide variant.
Coding change: c.2835T>C on transcript NM_006031.6 (MANE Select); coding-DNA position 2835, T replaced by C.
Protein change: p.Arg945=; no amino-acid change (arginine 945 retained).
Molecular consequence: synonymous variant.
Genome position (GRCh38, 1-based): chr21:46,366,809, T>C. VCF-style: chr21-46366809-T-C. GRCh37 (hg19) VCF-style: chr21-47786724-T-C.
Other names: c.2835T>C (NM_006031.5); c.2481T>C, p.Arg827= (NM_001315529.2).
Identifiers: ClinVar variation 2888451 (VCV002888451.5), dbSNP rs759216695, ClinGen allele CA10079106.
Genomic context (GRCh38, chr21:46,366,809, plus strand): 5'-CGCGTTGGGCGAGCTGACAGCCTCCTTAGAGAGCAAGCAGGGGGCTCTGCTGGCTGCACG[T>C]GTGGCCGAACTGCAGACAAAACACGCTGCCGACCTCGGCGCTCTGGAGACCAGACATCTG-3'
Protein context (NP_006022.3, residues 935-955): ESKQGALLAA[Arg945=]VAELQTKHAA

ClinVar aggregate classification (germline): Likely benign. Review status: criteria provided, single submitter (1 of 4 stars). 2 submissions from 2 submitters: Likely benign (1). 1 of the submissions does not count toward it. Last evaluated 2024-10-23.

Conditions:
PCNT-related disorder. Also called: PCNT-related condition.

Allele frequency attached by ClinVar (database versions not stated): ExAC 0.00001; gnomAD exomes 0.00001.
gnomAD v4.1: 13 of 1,613,828 alleles (0.00081%); highest among the groups gnomAD compares: Non-Finnish European, 0.000085%; no homozygotes.

Submissions (2):

Labcorp Genetics (formerly Invitae), Labcorp
Classification: Likely benign. Last evaluated: 2024-10-23. Review status: criteria provided, single submitter. Criteria: Invitae Variant Classification Sherloc (09022015). Collection method: clinical testing. Allele origin: germline.

PreventionGenetics, part of Exact Sciences
Classification: Likely benign for PCNT-related condition. Last evaluated: 2022-03-09. Review status: no assertion criteria provided. Collection method: clinical testing. Allele origin: germline. Not counted in ClinVar's aggregate classification.
Comment: This variant is classified as likely benign based on ACMG/AMP sequence variant interpretation guidelines (Richards et al. 2015 PMID: 25741868, with internal and published modifications).